The following is an entry in ClinVar:

ClinVar aggregate classification (germline): Likely benign (0 of 4 stars; one submission).

Conditions:
NTRK2-related disorder. Also called: NTRK2-related condition.

gnomAD v4.1: 3 of 1,607,600 alleles (0.00019%); highest among the groups gnomAD compares: East Asian, 0.0045%; no homozygotes.

Submission:

PreventionGenetics, part of Exact Sciences
Classification: Likely benign for NTRK2-related condition. Last evaluated: 2023-08-03. Review status: no assertion criteria provided. Collection method: clinical testing. Allele origin: germline.
Comment: This variant is classified as likely benign based on ACMG/AMP sequence variant interpretation guidelines (Richards et al. 2015 PMID: 25741868, with internal and published modifications).

NM_006180.6(NTRK2):c.360-8C>G

Gene: NTRK2 (neurotrophic receptor tyrosine kinase 2; plus strand). Cytogenetic location: 9q21.33.
Variant type: single nucleotide variant.
Coding change: c.360-8C>G on transcript NM_006180.6 (MANE Select); 8 bases into the intron before coding-DNA position 360, C replaced by G.
Molecular consequence: intron variant.
Genome position (GRCh38, 1-based): chr9:84,707,836, C>G. VCF-style: chr9-84707836-C-G. GRCh37 (hg19) VCF-style: chr9-87322751-C-G.
Other names: c.360-8C>G (NM_001369532.1, NM_001369533.1, NM_001018066.3 and 18 more transcripts); c.-109-8C>G (NM_001369536.1, NM_001369535.1, NM_001369550.1 and 2 more transcripts).
Identifiers: ClinVar variation 3351828 (VCV003351828.1).
Genomic context (GRCh38, chr9:84,707,836, plus strand): 5'-TATTTGAATACTGTGTTCCTAAAATGTAACATTTTAAATTCATGTTTAATGTTTTTGATT[C>G]CTTTCAGCAATTTTACCCGAAACAAACTGACGAGTTTGTCTAGGAAACATTTCCGTCACC-3'